The following is an entry in ClinVar:

ClinVar aggregate classification (germline): Likely pathogenic (1 of 4 stars; one submission).

gnomAD v4.1: 1 of 1,275,898 alleles (0.000078%); highest among the groups gnomAD compares: South Asian, 0.0028%; no homozygotes.

Submission:

Labcorp Genetics (formerly Invitae), Labcorp
Classification: Likely pathogenic. Last evaluated: 2022-11-22. Review status: criteria provided, single submitter. Criteria: Invitae Variant Classification Sherloc (09022015). Collection method: clinical testing. Allele origin: germline.
Comment: In summary, the currently available evidence indicates that the variant is pathogenic, but additional data are needed to prove that conclusively. Therefore, this variant has been classified as Likely Pathogenic. Algorithms developed to predict the effect of sequence changes on RNA splicing suggest that this variant may disrupt the consensus splice site. This variant has not been reported in the literature in individuals affected with DOCK6-related conditions. This variant is not present in population databases (gnomAD no frequency). This sequence change affects a donor splice site in intron 1 of the DOCK6 gene. It is expected to disrupt RNA splicing. Variants that disrupt the donor or acceptor splice site typically lead to a loss of protein function (PMID: 16199547), and loss-of-function variants in DOCK6 are known to be pathogenic (PMID: 21820096, 25824905).

Literature cited by the submitters: PubMed 16199547; PubMed 21820096; PubMed 25824905.

NM_020812.4(DOCK6):c.44+2T>C

Gene: DOCK6 (dedicator of cytokinesis 6; minus strand). Cytogenetic location: 19p13.2.
Variant type: single nucleotide variant.
Coding change: c.44+2T>C on transcript NM_020812.4 (MANE Select); the canonical splice donor site of the intron after coding-DNA position 44, T replaced by C.
Molecular consequence: splice donor variant.
Genome position (GRCh38, 1-based): chr19:11,262,395, A>G on the plus strand (T>C on the coding strand, the complement: DOCK6 is on the minus strand). VCF-style: chr19-11262395-A-G. GRCh37 (hg19) VCF-style: chr19-11373071-A-G.
Other names: c.44+2T>C (NM_001367830.1).
Identifiers: ClinVar variation 2020542 (VCV002020542.4), dbSNP rs2080306272, ClinGen allele CA404081642.